The following is an entry in ClinVar:

ClinVar aggregate classification (germline): Likely pathogenic (1 of 4 stars; one submission).

Conditions:
Fanconi anemia (FA). Also called: Fanconi's anemia. Identifiers: Orphanet 84, MedGen C0015625, MeSH D005199, MONDO:0019391.

gnomAD v4.1: 2 of 1,614,034 alleles (0.00012%); highest among the groups gnomAD compares: South Asian, 0.0011%; no homozygotes.

Submission:

Labcorp Genetics (formerly Invitae), Labcorp
Classification: Likely pathogenic for Fanconi anemia. Last evaluated: 2025-02-07. Review status: criteria provided, single submitter. Criteria: Invitae Variant Classification Sherloc (09022015). Collection method: clinical testing. Allele origin: germline.
Comment: This sequence change affects a donor splice site in intron 8 of the FANCL gene. It is expected to disrupt RNA splicing. Variants that disrupt the donor or acceptor splice site typically lead to a loss of protein function (PMID: 16199547), and loss-of-function variants in FANCL are known to be pathogenic (PMID: 19405097, 23613520). This variant is present in population databases (rs753107654, gnomAD 0.003%). This variant has not been reported in the literature in individuals affected with FANCL-related conditions. Algorithms developed to predict the effect of sequence changes on RNA splicing suggest that this variant may disrupt the consensus splice site. In summary, the currently available evidence indicates that the variant is pathogenic, but additional data are needed to prove that conclusively. Therefore, this variant has been classified as Likely Pathogenic.

Literature cited by the submitters: PubMed 16199547; PubMed 19405097; PubMed 23613520.

NM_018062.4(FANCL):c.691+1G>A

Gene: FANCL (FA complementation group L; minus strand). Cytogenetic location: 2p16.1.
Variant type: single nucleotide variant.
Coding change: c.691+1G>A on transcript NM_018062.4 (MANE Select); the canonical splice donor site of the intron after coding-DNA position 691, G replaced by A.
Molecular consequence: splice donor variant.
Genome position (GRCh38, 1-based): chr2:58,165,723, C>T on the plus strand (G>A on the coding strand, the complement: FANCL is on the minus strand). VCF-style: chr2-58165723-C-T. GRCh37 (hg19) VCF-style: chr2-58392858-C-T.
Other names: c.247+1G>A (NM_001438892.1); c.691+1G>A (NM_001438891.1); c.736+1G>A (NM_001374615.1, NM_001438889.1); c.706+1G>A (NM_001114636.2, NM_001438890.1); c.751+1G>A (NM_001410792.1).
Identifiers: ClinVar variation 4798573 (VCV004798573.1).